The following is an entry in ClinVar:

NM_001364857.2(ADGRB2):c.4393C>T (p.Arg1465Trp)

Gene: ADGRB2 (adhesion G protein-coupled receptor B2; minus strand). Cytogenetic location: 1p35.2.
Variant type: single nucleotide variant.
Coding change: c.4393C>T on transcript NM_001364857.2 (MANE Select); coding-DNA position 4393, C replaced by T.
Protein change: p.Arg1465Trp; replaces arginine 1465 with tryptophan.
Molecular consequence: missense variant.
Genome position (GRCh38, 1-based): chr1:31,728,621, G>A on the plus strand (C>T on the coding strand, the complement: ADGRB2 is on the minus strand). VCF-style: chr1-31728621-G-A. GRCh37 (hg19) VCF-style: chr1-32194222-G-A.
Other names: BAI2; c.4294C>T, p.Arg1432Trp (NM_001294336.2); c.4393C>T, p.Arg1465Trp (NM_001294335.2); short protein forms R1465W, R1432W.
Identifiers: ClinVar variation 430853 (VCV000430853.3), dbSNP rs778361520, ClinGen allele CA735070.

ClinVar aggregate classification (germline): Likely pathogenic (0 of 4 stars; one submission).

Conditions:
Progressive spastic paraparesis. Identifiers: MedGen C0747251, HP:0007199.

Allele frequency attached by ClinVar (database versions not stated): gnomAD exomes below 0.00001 and 0.00001; gnomAD 0.00002; TOPMed 0.00002; ExAC 0.00002.
gnomAD v4.1: 6 of 1,613,872 alleles (0.00037%); highest among the groups gnomAD compares: African/African-American, 0.0027%; no homozygotes.

Submission:

Undiagnosed Diseases Program Translational Research Laboratory, National Institutes of Health
Classification: Likely pathogenic for Progressive spastic paraparesis. Last evaluated: 2017-07-17. Review status: no assertion criteria provided. Collection method: research. Allele origin: de novo. Inheritance: Sporadic. Affected: yes. Observed: 1 variant allele, 1 heterozygote.
Comment: Functional studies on variant showed gain of functions compared to wild-type sequence that may explain the phenotype of the patient.

Literature cited by the submitters: PubMed 28891236.